The following is an entry in ClinVar:

ClinVar aggregate classification (germline): Uncertain significance (1 of 4 stars; one submission).

gnomAD v4.1: 14 of 1,552,706 alleles (0.0009%); highest among the groups gnomAD compares: Admixed American, 0.002%; no homozygotes.

Submission:

Labcorp Genetics (formerly Invitae), Labcorp
Classification: Uncertain significance. Last evaluated: 2025-04-23. Review status: criteria provided, single submitter. Criteria: Invitae Variant Classification Sherloc (09022015). Collection method: clinical testing. Allele origin: germline.
Comment: This sequence change replaces aspartic acid, which is acidic and polar, with asparagine, which is neutral and polar, at codon 367 of the PACS2 protein (p.Asp367Asn). This variant is not present in population databases (gnomAD no frequency). This variant has not been reported in the literature in individuals affected with PACS2-related conditions. ClinVar contains an entry for this variant (Variation ID: 3613134). An algorithm developed to predict the effect of missense changes on protein structure and function (PolyPhen-2) suggests that this variant is likely to be tolerated. In summary, the available evidence is currently insufficient to determine the role of this variant in disease. Therefore, it has been classified as a Variant of Uncertain Significance.

NM_001100913.3(PACS2):c.1099G>A (p.Asp367Asn)

Gene: PACS2 (phosphofurin acidic cluster sorting protein 2; plus strand). Cytogenetic location: 14q32.33.
Variant type: single nucleotide variant.
Coding change: c.1099G>A on transcript NM_001100913.3 (MANE Select); coding-DNA position 1099, G replaced by A.
Protein change: p.Asp367Asn; replaces aspartic acid 367 with asparagine.
Molecular consequence: missense variant.
Genome position (GRCh38, 1-based): chr14:105,380,128, G>A. VCF-style: chr14-105380128-G-A. GRCh37 (hg19) VCF-style: chr14-105846465-G-A.
Other names: c.874G>A, p.Asp292Asn (NM_001243127.3); c.1099G>A, p.Asp367Asn (NM_015197.4); short protein forms D292N, D367N.
Identifiers: ClinVar variation 3613134 (VCV003613134.2).
Genomic context (GRCh38, chr14:105,380,128, plus strand): 5'-CCTCCCCCACAGGCTGACGTGCCCGAGAAGACGCGGTCCCTGGGAGGCAGGCAGCCGAGC[G>A]ACAGTGTCTCTGACACGGTGGCCCTCGTAAGCAGGCTTGGGCCGCACCCACCCGTTCCAC-3'
Protein context (NP_001094383.2, residues 357-377): TRSLGGRQPS[Asp367Asn]SVSDTVALGV